The following is an entry in ClinVar:

ClinVar aggregate classification (germline): Uncertain significance (1 of 4 stars; one submission).

Submission:

Labcorp Genetics (formerly Invitae), Labcorp
Classification: Uncertain significance. Last evaluated: 2026-01-26. Review status: criteria provided, single submitter. Criteria: Invitae Variant Classification Sherloc (09022015). Collection method: clinical testing. Allele origin: germline.
Comment: This sequence change replaces valine, which is neutral and non-polar, with alanine, which is neutral and non-polar, at codon 1394 of the POLE protein (p.Val1394Ala). This variant is not present in population databases (gnomAD no frequency). This variant has not been reported in the literature in individuals affected with POLE-related conditions. Invitae Evidence Modeling of protein sequence and biophysical properties (such as structural, functional, and spatial information, amino acid conservation, physicochemical variation, residue mobility, and thermodynamic stability) indicates that this missense variant is not expected to disrupt POLE protein function with a negative predictive value of 80%. In summary, the available evidence is currently insufficient to determine the role of this variant in disease. Therefore, it has been classified as a Variant of Uncertain Significance.

NM_006231.4(POLE):c.4181T>C (p.Val1394Ala)

Gene: POLE (DNA polymerase epsilon, catalytic subunit; minus strand). Cytogenetic location: 12q24.33.
Variant type: single nucleotide variant.
Coding change: c.4181T>C on transcript NM_006231.4 (MANE Select); coding-DNA position 4181, T replaced by C.
Protein change: p.Val1394Ala; replaces valine 1394 with alanine.
Molecular consequence: missense variant.
Genome position (GRCh38, 1-based): chr12:132,643,946, A>G on the plus strand (T>C on the coding strand, the complement: POLE is on the minus strand). VCF-style: chr12-132643946-A-G. GRCh37 (hg19) VCF-style: chr12-133220532-A-G.
Other names: short protein forms V1394A.
Identifiers: ClinVar variation 4744486 (VCV004744486.1).